The following is an entry in ClinVar:

NM_006295.3(VARS1):c.2566C>G (p.Arg856Gly)

Gene: VARS1 (valyl-tRNA synthetase 1; minus strand). Cytogenetic location: 6p21.33.
Variant type: single nucleotide variant.
Coding change: c.2566C>G on transcript NM_006295.3 (MANE Select); coding-DNA position 2566, C replaced by G.
Protein change: p.Arg856Gly; replaces arginine 856 with glycine.
Molecular consequence: missense variant.
Genome position (GRCh38, 1-based): chr6:31,781,102, G>C on the plus strand (C>G on the coding strand, the complement: VARS1 is on the minus strand). VCF-style: chr6-31781102-G-C. GRCh37 (hg19) VCF-style: chr6-31748879-G-C.
Other names: short protein forms R856G.
Identifiers: ClinVar variation 2501912 (VCV002501912.1), dbSNP rs761810499, ClinGen allele CA136882895.
Genomic context (GRCh38, chr6:31,781,102, plus strand): 5'-CGTCCAGGGGATCGATGACATTGCCTAGAGACTTGCTCATCTTCCGGCCGTGAGCATCTC[G>C]CACGATGGCATGGAGGTAGACCTGCAGAGCAGGTGGGGAGGCCCATGAGACTCAGTCCTC-3'
Protein context (NP_006286.1, residues 846-866): FREVYLHAIV[Arg856Gly]DAHGRKMSKS

ClinVar aggregate classification (germline): Uncertain significance (1 of 4 stars; one submission).

Allele frequency attached by ClinVar (database versions not stated): gnomAD 0.00001.
gnomAD v4.1: 1 of 1,613,106 alleles (0.000062%); highest among the groups gnomAD compares: Admixed American, 0.0017%; no homozygotes.

Submission:

GeneDx
Classification: Uncertain significance. Last evaluated: 2022-11-11. Review status: criteria provided, single submitter. Criteria: GeneDx Variant Classification Process June 2021. Collection method: clinical testing. Allele origin: germline. Affected: yes.
Comment: Not observed at significant frequency in large population cohorts (gnomAD); In silico analysis supports that this missense variant has a deleterious effect on protein structure/function; Has not been previously published as pathogenic or benign to our knowledge